The following is an entry in ClinVar:

NM_001376.5(DYNC1H1):c.13260C>T (p.Gly4420=)

Gene: DYNC1H1 (dynein cytoplasmic 1 heavy chain 1; plus strand). Cytogenetic location: 14q32.31.
Variant type: single nucleotide variant.
Coding change: c.13260C>T on transcript NM_001376.5 (MANE Select); coding-DNA position 13260, C replaced by T.
Protein change: p.Gly4420=; no amino-acid change (glycine 4420 retained).
Molecular consequence: synonymous variant.
Genome position (GRCh38, 1-based): chr14:102,048,557, C>T. VCF-style: chr14-102048557-C-T. GRCh37 (hg19) VCF-style: chr14-102514894-C-T.
Identifiers: ClinVar variation 513877 (VCV000513877.53), dbSNP rs777922418, ClinGen allele CA7354193.

ClinVar aggregate classification (germline): Likely benign. Review status: criteria provided, multiple submitters, no conflicts (2 of 4 stars). 3 submissions from 3 submitters: Likely benign (3). Last evaluated 2025-12-30.

Conditions:
DYNC1H1-related disorder. Also called: DYNC1H1-related condition; DYNC1H1-related disorders. Identifiers: MedGen CN381529.
Charcot-Marie-Tooth disease axonal type 2O. Also called: Charcot-Marie-Tooth disease, axonal, type 20; CHARCOT-MARIE-TOOTH NEUROPATHY, AXONAL, TYPE 2O; CHARCOT-MARIE-TOOTH DISEASE, AXONAL, AUTOSOMAL DOMINANT, TYPE 2O; Charcot-Marie-Tooth Neuropathy Type 2O. Identifiers: Orphanet 284232, MedGen C3280220, MONDO:0013644, OMIM 614228.

Allele frequency attached by ClinVar (database versions not stated): gnomAD 0.00004 and 0.00005; gnomAD exomes 0.00005 and 0.00008; ExAC 0.00007; TOPMed 0.00009.

Submissions (3):

Labcorp Genetics (formerly Invitae), Labcorp
Classification: Likely benign for Charcot-Marie-Tooth disease axonal type 2O. Last evaluated: 2025-12-30. Review status: criteria provided, single submitter. Criteria: Invitae Variant Classification Sherloc (09022015). Collection method: clinical testing. Allele origin: germline.

PreventionGenetics, part of Exact Sciences
Classification: Likely benign for DYNC1H1-related condition. Last evaluated: 2025-04-28. Review status: criteria provided, single submitter. Criteria: ACMG Guidelines, 2015. Collection method: clinical testing. Allele origin: germline.
Comment: This variant is classified as likely benign based on ACMG/AMP sequence variant interpretation guidelines (Richards et al. 2015 PMID: 25741868, with internal and published modifications).

GeneDx
Classification: Likely benign. Last evaluated: 2020-11-03. Review status: criteria provided, single submitter. Criteria: GeneDx Variant Classification Process June 2021. Collection method: clinical testing. Allele origin: germline. Affected: yes.